The following is an entry in ClinVar:

NM_005676.5(RBM10):c.1749C>T (p.Asp583=)

Gene: RBM10 (RNA binding motif protein 10; plus strand). Cytogenetic location: Xp11.3.
Variant type: single nucleotide variant.
Coding change: c.1749C>T on transcript NM_005676.5 (MANE Select); coding-DNA position 1749, C replaced by T.
Protein change: p.Asp583=; no amino-acid change (aspartic acid 583 retained).
Molecular consequence: synonymous variant.
Genome position (GRCh38, 1-based): chrX:47,182,006, C>T. VCF-style: chrX-47182006-C-T. GRCh37 (hg19) VCF-style: chrX-47041405-C-T.
Other names: c.1518C>T, p.Asp506= (NM_001204466.2); c.1746C>T, p.Asp582= (NM_001204467.2); c.1944C>T, p.Asp648= (NM_001204468.2); c.1515C>T, p.Asp505= (NM_152856.3).
Identifiers: ClinVar variation 3043765 (VCV003043765.2), dbSNP rs782482147, ClinGen allele CA10395362.

ClinVar aggregate classification (germline): Likely benign (0 of 4 stars; one submission).

Conditions:
RBM10-related disorder. Also called: RBM10-related condition.

Allele frequency attached by ClinVar (database versions not stated): ExAC 0.00006; gnomAD 0.00002; TOPMed 0.00002; gnomAD exomes 0.00003.
gnomAD v4.1: 39 of 1,209,359 alleles (0.0032%); highest among the groups gnomAD compares: South Asian, 0.026%; no homozygotes.

Submission:

PreventionGenetics, part of Exact Sciences
Classification: Likely benign for RBM10-related condition. Last evaluated: 2019-06-07. Review status: no assertion criteria provided. Collection method: clinical testing. Allele origin: germline.
Comment: This variant is classified as likely benign based on ACMG/AMP sequence variant interpretation guidelines (Richards et al. 2015 PMID: 25741868, with internal and published modifications).